The following is an entry in ClinVar:

NM_000501.4(ELN):c.1942G>A (p.Gly648Arg)

Gene: ELN (elastin; plus strand). Cytogenetic location: 7q11.23.
Variant type: single nucleotide variant.
Coding change: c.1942G>A on transcript NM_000501.4 (MANE Select); coding-DNA position 1942, G replaced by A.
Protein change: p.Gly648Arg; replaces glycine 648 with arginine.
Molecular consequence: missense variant.
Genome position (GRCh38, 1-based): chr7:74,063,644, G>A. VCF-style: chr7-74063644-G-A. GRCh37 (hg19) VCF-style: chr7-73477974-G-A.
Other names: c.1855G>A, p.Gly619Arg (NM_001081752.3); c.1900G>A, p.Gly634Arg (NM_001081753.3); c.1957G>A, p.Gly653Arg (NM_001081754.3); c.1885G>A, p.Gly629Arg (NM_001081755.3); c.1942G>A, p.Gly648Arg (NM_001278912.2); c.1699G>A, p.Gly567Arg (NM_001278913.2); c.1870G>A, p.Gly624Arg (NM_001278914.2); c.1960G>A, p.Gly654Arg (NM_001278915.2); and 4 more; short protein forms G559R, G567R, G600R, G619R, G624R, G629R, G634R, G638R.
Identifiers: ClinVar variation 3373744 (VCV003373744.3).

ClinVar aggregate classification (germline): Uncertain significance. Review status: criteria provided, multiple submitters, no conflicts (2 of 4 stars). 2 submissions from 2 submitters: Uncertain significance (2). Last evaluated 2025-12-22.

Conditions:
Supravalvar aortic stenosis (SVAS). Also called: Supravalvar aortic stenosis, Eisenberg type. Identifiers: Orphanet 3193, MedGen C0003499, MONDO:0008504, OMIM 185500, HP:0004381.

gnomAD v4.1: 17 of 1,614,100 alleles (0.0011%); highest among the groups gnomAD compares: African/African-American, 0.0027%; no homozygotes.

Submissions (2):

Labcorp Genetics (formerly Invitae), Labcorp
Classification: Uncertain significance for Supravalvar aortic stenosis. Last evaluated: 2025-12-22. Review status: criteria provided, single submitter. Criteria: Invitae Variant Classification Sherloc (09022015). Collection method: clinical testing. Allele origin: germline.
Comment: This sequence change replaces glycine, which is neutral and non-polar, with arginine, which is basic and polar, at codon 710 of the ELN protein (p.Gly710Arg). This variant is present in population databases (rs782184500, gnomAD 0.003%). This variant has not been reported in the literature in individuals affected with ELN-related conditions. ClinVar contains an entry for this variant (Variation ID: 3373744). Invitae Evidence Modeling of protein sequence and biophysical properties (such as structural, functional, and spatial information, amino acid conservation, physicochemical variation, residue mobility, and thermodynamic stability) indicates that this missense variant is not expected to disrupt ELN protein function with a negative predictive value of 80%. In summary, the available evidence is currently insufficient to determine the role of this variant in disease. Therefore, it has been classified as a Variant of Uncertain Significance.

GeneDx
Classification: Uncertain significance. Last evaluated: 2024-03-06. Review status: criteria provided, single submitter. Criteria: GeneDx Variant Classification Process June 2021. Collection method: clinical testing. Allele origin: germline. Affected: yes.
Comment: Has not been previously published as pathogenic or benign to our knowledge; Not observed at significant frequency in large population cohorts (gnomAD); In silico analysis supports that this missense variant has a deleterious effect on protein structure/function